The following is an entry in ClinVar:

NM_018263.6(ASXL2):c.667G>A (p.Gly223Ser)

Gene: ASXL2 (ASXL transcriptional regulator 2; minus strand). Cytogenetic location: 2p23.3.
Variant type: single nucleotide variant.
Coding change: c.667G>A on transcript NM_018263.6 (MANE Select); coding-DNA position 667, G replaced by A.
Protein change: p.Gly223Ser; replaces glycine 223 with serine.
Molecular consequence: missense variant. On other transcripts: 5 prime UTR variant (1).
Genome position (GRCh38, 1-based): chr2:25,767,691, C>T on the plus strand (G>A on the coding strand, the complement: ASXL2 is on the minus strand). VCF-style: chr2-25767691-C-T. GRCh37 (hg19) VCF-style: chr2-25990560-C-T.
Other names: c.493G>A, p.Gly165Ser (NM_001369346.1); c.-114G>A (NM_001369347.1); short protein forms G165S, G223S.
Identifiers: ClinVar variation 3771018 (VCV003771018.13).

ClinVar aggregate classification (germline): Likely benign (1 of 4 stars; one submission).

gnomAD v4.1: 35 of 1,613,782 alleles (0.0022%); highest among the groups gnomAD compares: Non-Finnish European, 0.0028%; no homozygotes.

Submission:

CeGaT Center for Human Genetics Tuebingen
Classification: Likely benign. Last evaluated: 2024-12-01. Review status: criteria provided, single submitter. Criteria: CeGaT Center For Human Genetics Tuebingen Variant Classification Criteria Version 2. Collection method: clinical testing. Allele origin: germline. Affected: yes. Observed: 1 variant allele.
Comment: ASXL2: BP4